The following is an entry in ClinVar:

NM_000301.5(PLG):c.2063C>G (p.Ser688Cys)

Gene: PLG (plasminogen; plus strand). Cytogenetic location: 6q26.
Variant type: single nucleotide variant.
Coding change: c.2063C>G on transcript NM_000301.5 (MANE Select); coding-DNA position 2063, C replaced by G.
Protein change: p.Ser688Cys; replaces serine 688 with cysteine.
Molecular consequence: missense variant.
Genome position (GRCh38, 1-based): chr6:160,741,355, C>G. VCF-style: chr6-160741355-C-G. GRCh37 (hg19) VCF-style: chr6-161162387-C-G.
Other names: short protein forms S688C.
Identifiers: ClinVar variation 2812161 (VCV002812161.3), dbSNP rs1778190495, ClinGen allele CA366366290.

ClinVar aggregate classification (germline): Uncertain significance (1 of 4 stars; one submission).

Allele frequency attached by ClinVar (database versions not stated): gnomAD exomes below 0.00001.
gnomAD v4.1: 3 of 1,613,156 alleles (0.00019%); highest among the groups gnomAD compares: Non-Finnish European, 0.00025%; no homozygotes.

Submission:

Labcorp Genetics (formerly Invitae), Labcorp
Classification: Uncertain significance. Last evaluated: 2023-03-31. Review status: criteria provided, single submitter. Criteria: Invitae Variant Classification Sherloc (09022015). Collection method: clinical testing. Allele origin: germline.
Comment: In summary, the available evidence is currently insufficient to determine the role of this variant in disease. Therefore, it has been classified as a Variant of Uncertain Significance. Advanced modeling of protein sequence and biophysical properties (such as structural, functional, and spatial information, amino acid conservation, physicochemical variation, residue mobility, and thermodynamic stability) performed at Invitae indicates that this missense variant is not expected to disrupt PLG protein function. This variant has not been reported in the literature in individuals affected with PLG-related conditions. This variant is not present in population databases (gnomAD no frequency). This sequence change replaces serine, which is neutral and polar, with cysteine, which is neutral and slightly polar, at codon 688 of the PLG protein (p.Ser688Cys).